The following is an entry in ClinVar:

ClinVar aggregate classification (germline): Uncertain significance. Review status: criteria provided, multiple submitters, no conflicts (2 of 4 stars). 2 submissions from 2 submitters: Uncertain significance (2). Last evaluated 2024-09-15.

Conditions:
Hereditary cancer-predisposing syndrome. Also called: Neoplastic Syndromes, Hereditary; Tumor predisposition; Hereditary neoplastic syndrome; Hereditary Cancer Syndrome. Identifiers: Orphanet 140162, MedGen C0027672, MeSH D009386, MONDO:0015356.
Bloom syndrome (BLM). Also called: Bloom-Torre-Machacek syndrome. Identifiers: Orphanet 125, MedGen C0005859, MONDO:0008876, OMIM 210900.

Submissions (2):

Ambry Genetics
Classification: Uncertain significance for Hereditary cancer-predisposing syndrome. Last evaluated: 2024-09-15. Review status: criteria provided, single submitter. Criteria: Ambry Variant Classification Scheme 2023. Collection method: clinical testing. Allele origin: germline.
Comment: The p.M855V variant (also known as c.2563A>G), located in coding exon 12 of the BLM gene, results from an A to G substitution at nucleotide position 2563. The methionine at codon 855 is replaced by valine, an amino acid with highly similar properties. This amino acid position is conserved. In addition, the in silico prediction for this alteration is inconclusive. Based on the available evidence, the clinical significance of this variant remains unclear.

Labcorp Genetics (formerly Invitae), Labcorp
Classification: Uncertain significance for Bloom syndrome. Last evaluated: 2018-01-13. Review status: criteria provided, single submitter. Criteria: Invitae Variant Classification Sherloc (09022015). Collection method: clinical testing. Allele origin: germline.
Comment: This sequence change replaces methionine with valine at codon 855 of the BLM protein (p.Met855Val). The methionine residue is moderately conserved and there is a small physicochemical difference between methionine and valine. This variant is not present in population databases (ExAC no frequency). This variant has not been reported in the literature in individuals with BLM-related disease. Algorithms developed to predict the effect of missense changes on protein structure and function do not agree on the potential impact of this missense change (SIFT: "Tolerated"; PolyPhen-2: "Possibly Damaging"; Align-GVGD: "Class C0"). Algorithms developed to predict the effect of sequence changes on RNA splicing suggest that this variant may create or strengthen a splice site, but this prediction has not been confirmed by published transcriptional studies. In summary, the available evidence is currently insufficient to determine the role of this variant in disease. Therefore, it has been classified as a Variant of Uncertain Significance.

NM_000057.4(BLM):c.2563A>G (p.Met855Val)

Gene: BLM (BLM RecQ like helicase; plus strand). Cytogenetic location: 15q26.1.
Variant type: single nucleotide variant.
Coding change: c.2563A>G on transcript NM_000057.4 (MANE Select); coding-DNA position 2563, A replaced by G.
Protein change: p.Met855Val; replaces methionine 855 with valine.
Molecular consequence: missense variant.
Genome position (GRCh38, 1-based): chr15:90,782,829, A>G. VCF-style: chr15-90782829-A-G. GRCh37 (hg19) VCF-style: chr15-91326059-A-G.
Other names: c.2563A>G, p.Met855Val (NM_001287246.2, NM_001287247.2); c.1438A>G, p.Met480Val (NM_001287248.2); c.2563A>G (NM_000057.2); short protein forms M855V, M480V.
Identifiers: ClinVar variation 580033 (VCV000580033.10), dbSNP rs1567052166, ClinGen allele CA393845594.
Genomic context (GRCh38, chr15:90,782,829, plus strand): 5'-CTAAAGTCATATTTTCTCATAATAACTAAATTTTATGTTTGGGACTTTTTTAGGTTTAGC[A>G]TGAGCTTTAACAGACATAATCTGAAATACTATGTATTACCGAAAAAGCCTAAAAAGGTGG-3'
Protein context (NP_000048.1, residues 845-865): LKILRPQVFS[Met855Val]SFNRHNLKYY